The following is an entry in ClinVar:

NM_001127208.3(TET2):c.2105A>T (p.His702Leu)

Genes: TET2 (tet methylcytosine dioxygenase 2; plus strand), TET2-AS1 (TET2 antisense RNA 1; minus strand). Cytogenetic location: 4q24.
Variant type: single nucleotide variant.
Coding change: c.2105A>T on transcript NM_001127208.3 (MANE Select); coding-DNA position 2105, A replaced by T.
Protein change: p.His702Leu; replaces histidine 702 with leucine.
Molecular consequence: missense variant.
Genome position (GRCh38, 1-based): chr4:105,236,047, A>T. VCF-style: chr4-105236047-A-T. GRCh37 (hg19) VCF-style: chr4-106157204-A-T.
Other names: c.2105A>T, p.His702Leu (NM_017628.4); short protein forms H702L.
Identifiers: ClinVar variation 3967571 (VCV003967571.1).

ClinVar aggregate classification (germline): Uncertain significance (1 of 4 stars; one submission).

gnomAD v4.1: 18 of 1,614,166 alleles (0.0011%); highest among the groups gnomAD compares: South Asian, 0.02%; no homozygotes.

Submission:

Ambry Genetics
Classification: Uncertain significance. Last evaluated: 2025-04-18. Review status: criteria provided, single submitter. Criteria: Ambry Variant Classification Scheme 2023. Collection method: clinical testing. Allele origin: germline.
Comment: The p.H702L variant (also known as c.2105A>T), located in coding exon 1 of the TET2 gene, results from an A to T substitution at nucleotide position 2105. The histidine at codon 702 is replaced by leucine, an amino acid with similar properties. This amino acid position is conserved. In addition, this alteration is predicted to be tolerated by in silico analysis. Based on the available evidence, the clinical significance of this variant remains unclear.